The following is an entry in ClinVar:

ClinVar aggregate classification (germline): Uncertain significance (1 of 4 stars; one submission).

Conditions:
TP63-related disorder. Also called: TP63-related condition; TP63-Related Disorders. Identifiers: MedGen CN380159.

Allele frequency attached by ClinVar (database versions not stated): gnomAD exomes below 0.00001.
gnomAD v4.1: 1 of 1,614,092 alleles (0.000062%); highest among the groups gnomAD compares: South Asian, 0.0011%; no homozygotes.

Submission:

PreventionGenetics, part of Exact Sciences
Classification: Uncertain significance for TP63-related condition. Last evaluated: 2023-01-06. Review status: criteria provided, single submitter. Criteria: ACMG Guidelines, 2015. Collection method: clinical testing. Allele origin: germline.
Comment: The TP63 c.940G>A variant is predicted to result in the amino acid substitution p.Gly314Arg. To our knowledge, this variant has not been reported in the literature or in a large population database, indicating this variant is rare. A different missense variant impacting the same amino acid residue (p.Gly314Glu) has been reported in an individual presenting with ectrodactylyl-ectodermal dysplasia-clefting syndrome with additional lesions, and was absent in a healthy sibling with parents unreported (Wawrzycki et al. 2019. PubMed ID: 31333354). Although we suspect that this variant may be pathogenic, at this time, the clinical significance of this variant is uncertain due to the absence of conclusive functional and genetic evidence (specifically, the absence of phenotypic overlap with the hallmark skeletal features of TP63-related disorders).

NM_003722.5(TP63):c.940G>A (p.Gly314Arg)

Gene: TP63 (tumor protein p63; plus strand). Cytogenetic location: 3q28.
Variant type: single nucleotide variant.
Coding change: c.940G>A on transcript NM_003722.5 (MANE Select); coding-DNA position 940, G replaced by A.
Protein change: p.Gly314Arg; replaces glycine 314 with arginine.
Molecular consequence: missense variant.
Genome position (GRCh38, 1-based): chr3:189,867,890, G>A. VCF-style: chr3-189867890-G-A. GRCh37 (hg19) VCF-style: chr3-189585679-G-A.
Other names: c.940G>A, p.Gly314Arg (NM_001114978.2, NM_001114979.2, NM_001329144.2 and 1 more transcripts); c.658G>A, p.Gly220Arg (NM_001114980.2, NM_001114981.2, NM_001114982.2 and 2 more transcripts); c.403G>A, p.Gly135Arg (NM_001329146.2, NM_001329150.2); c.934G>A, p.Gly312Arg (NM_001329964.2); short protein forms G135R, G220R, G312R, G314R.
Identifiers: ClinVar variation 2629855 (VCV002629855.1), dbSNP rs2474609233, ClinGen allele CA355754967.